The following is an entry in ClinVar:

ClinVar aggregate classification (germline): Uncertain significance (1 of 4 stars; one submission).

Conditions:
Cardiovascular phenotype. Identifiers: MedGen CN230736.

Submission:

Ambry Genetics
Classification: Uncertain significance for Cardiovascular phenotype. Last evaluated: 2020-08-03. Review status: criteria provided, single submitter. Criteria: Ambry Variant Classification Scheme 2023. Collection method: clinical testing. Allele origin: germline.
Comment: The p.A90V variant (also known as c.269C>T), located in coding exon 3 of the SOS1 gene, results from a C to T substitution at nucleotide position 269. The alanine at codon 90 is replaced by valine, an amino acid with similar properties. This amino acid position is highly conserved in available vertebrate species. In addition, this alteration is predicted to be deleterious by in silico analysis. Since supporting evidence is limited at this time, the clinical significance of this alteration remains unclear.

NM_005633.4(SOS1):c.269C>T (p.Ala90Val)

Gene: SOS1 (SOS Ras/Rac guanine nucleotide exchange factor 1; minus strand). Cytogenetic location: 2p22.1.
Variant type: single nucleotide variant.
Coding change: c.269C>T on transcript NM_005633.4 (MANE Select); coding-DNA position 269, C replaced by T.
Protein change: p.Ala90Val; replaces alanine 90 with valine.
Molecular consequence: missense variant.
Genome position (GRCh38, 1-based): chr2:39,058,749, G>A on the plus strand (C>T on the coding strand, the complement: SOS1 is on the minus strand). VCF-style: chr2-39058749-G-A. GRCh37 (hg19) VCF-style: chr2-39285890-G-A.
Other names: c.248C>T, p.Ala83Val (NM_001382394.1); c.269C>T, p.Ala90Val (NM_001382395.1); short protein forms A90V, A83V.
Identifiers: ClinVar variation 1794882 (VCV001794882.2), dbSNP rs2465361545, ClinGen allele CA346373941.
Genomic context (GRCh38, chr2:39,058,749, plus strand): 5'-ATTTTTTCTACTGGGAGAGATAAAGGGTTTCTTCGCTTCCTCTTTTCAATAGCTGATTGG[G>A]CATCAGCTATTGCCCATTTATCAATTGGATGAGGGAAACTTTTTTGAACACGTTCCTTGG-3'
Protein context (NP_005624.2, residues 80-100): HPIDKWAIAD[Ala90Val]QSAIEKRKRR